The following is an entry in ClinVar:

NM_001035.3(RYR2):c.12419G>C (p.Gly4140Ala)

Genes: RYR2 (ryanodine receptor 2; plus strand), LOC126806068 (BRD4-independent group 4 enhancer GRCh37_chr1:237947411-237948610; plus strand). Cytogenetic location: 1q43.
Variant type: single nucleotide variant.
Coding change: c.12419G>C on transcript NM_001035.3 (MANE Select); coding-DNA position 12419, G replaced by C.
Protein change: p.Gly4140Ala; replaces glycine 4140 with alanine.
Molecular consequence: missense variant.
Genome position (GRCh38, 1-based): chr1:237,784,131, G>C. VCF-style: chr1-237784131-G-C. GRCh37 (hg19) VCF-style: chr1-237947431-G-C.
Other names: short protein forms G4140A.
Identifiers: ClinVar variation 2587823 (VCV002587823.2), dbSNP rs2527783445, ClinGen allele CA345413193.
Genomic context (GRCh38, chr1:237,784,131, plus strand): 5'-AATTAGCAGAGAGCGTCCTGAATTATTTCCAGCCCTTTCTGGGCCGCATCGAAATCATGG[G>C]AAGCGCCAAACGCATCGAGAGGGTCTATTTTGAAATCAGTGAGTCCAGCCGAACCCAGTG-3'
Protein context (NP_001026.2, residues 4130-4150): QPFLGRIEIM[Gly4140Ala]SAKRIERVYF

ClinVar aggregate classification (germline): Likely pathogenic (1 of 4 stars; one submission).

Conditions:
Cardiovascular phenotype. Identifiers: MedGen CN230736.

Submission:

Ambry Genetics
Classification: Likely pathogenic for Cardiovascular phenotype. Last evaluated: 2023-06-16. Review status: criteria provided, single submitter. Criteria: Ambry Variant Classification Scheme 2023. Collection method: clinical testing. Allele origin: germline.
Comment: The p.G4140A variant (also known as c.12419G>C), located in coding exon 90 of the RYR2 gene, results from a G to C substitution at nucleotide position 12419. The glycine at codon 4140 is replaced by alanine, an amino acid with similar properties. This variant is located in an established mutational hotspot in the non-Ca2+ pore-forming channel part of the carboxyl terminus of the RYR2 protein (domain III; George CH et al. J Mol Cell Cardiol, 2007 Jan;42:34-50). This variant was also detected in an arrhythmia genetic testing cohort; however, clinical details were limited (van Lint FHM et al. Neth Heart J, 2019 Jun;27:304-309). This variant is considered to be rare based on population cohorts in the Genome Aggregation Database (gnomAD). This amino acid position is highly conserved in available vertebrate species. In addition, this alteration is predicted to be deleterious by in silico analysis. Based on the majority of available evidence to date, this variant is likely to be pathogenic.

Literature cited by the submitters: PubMed 30847666.